The following is an entry in ClinVar:

NM_001386795.1(DTNA):c.1291G>A (p.Asp431Asn)

Gene: DTNA (dystrobrevin alpha; plus strand). Cytogenetic location: 18q12.1.
Variant type: single nucleotide variant.
Coding change: c.1291G>A on transcript NM_001386795.1 (MANE Select); coding-DNA position 1291, G replaced by A.
Protein change: p.Asp431Asn; replaces aspartic acid 431 with asparagine.
Molecular consequence: missense variant. On other transcripts: intron variant (33).
Genome position (GRCh38, 1-based): chr18:34,838,782, G>A. VCF-style: chr18-34838782-G-A. GRCh37 (hg19) VCF-style: chr18-32418746-G-A.
Other names: c.337G>A, p.Asp113Asn (NM_001198942.1); c.1291G>A, p.Asp431Asn (NM_001386788.1); c.1210G>A, p.Asp404Asn (NM_001390.5, NM_001391.5); c.1201G>A, p.Asp401Asn (NM_032978.7); c.1095-9514G>A (NM_032975.4, NM_001386761.1, NM_001386762.1 and 1 more transcripts); c.1175+9293G>A (NM_001386754.1, NM_001386755.1, NM_001386760.1 and 5 more transcripts); c.1086-9514G>A (NM_001386763.1, NM_001386764.1, NM_001386768.1 and 13 more transcripts); c.604-13049G>A (NM_001198945.2); and 4 more; short protein forms D113N, D401N, D404N, D431N.
Identifiers: ClinVar variation 1052246 (VCV001052246.10), dbSNP rs777304620, ClinGen allele CA8935664.

ClinVar aggregate classification (germline): Uncertain significance. Review status: criteria provided, multiple submitters, no conflicts (2 of 4 stars). 2 submissions from 2 submitters: Uncertain significance (2). Last evaluated 2025-10-13.

Conditions:
Left ventricular noncompaction 1 (LVNC1). Also called: LEFT VENTRICULAR NONCOMPACTION 1 WITH OR WITHOUT CONGENITAL HEART DEFECTS. Identifiers: Orphanet 54260, MedGen C1858725, MONDO:0011403, OMIM 604169.

Allele frequency attached by ClinVar (database versions not stated): gnomAD exomes below 0.00001; ExAC 0.00001; gnomAD 0.00002.
gnomAD v4.1: 5 of 1,613,666 alleles (0.00031%); highest among the groups gnomAD compares: Non-Finnish European, 0.00042%; no homozygotes.

Submissions (2):

Women's Health and Genetics/Laboratory Corporation of America, LabCorp
Classification: Uncertain significance. Last evaluated: 2025-10-13. Review status: criteria provided, single submitter. Criteria: LabCorp Variant Classification Summary - May 2015. Collection method: clinical testing. Allele origin: germline.

Labcorp Genetics (formerly Invitae), Labcorp
Classification: Uncertain significance for Left ventricular noncompaction 1. Last evaluated: 2022-04-18. Review status: criteria provided, single submitter. Criteria: Invitae Variant Classification Sherloc (09022015). Collection method: clinical testing. Allele origin: germline.
Comment: This sequence change replaces aspartic acid, which is acidic and polar, with asparagine, which is neutral and polar, at codon 404 of the DTNA protein (p.Asp404Asn). This variant is present in population databases (rs777304620, gnomAD 0.002%). This variant has not been reported in the literature in individuals affected with DTNA-related conditions. ClinVar contains an entry for this variant (Variation ID: 1052246). Algorithms developed to predict the effect of missense changes on protein structure and function are either unavailable or do not agree on the potential impact of this missense change (SIFT: "Tolerated"; PolyPhen-2: "Probably Damaging"; Align-GVGD: "Class C0"). Algorithms developed to predict the effect of sequence changes on RNA splicing suggest that this variant may disrupt the consensus splice site. In summary, the available evidence is currently insufficient to determine the role of this variant in disease. Therefore, it has been classified as a Variant of Uncertain Significance.